The following is an entry in ClinVar:

ClinVar aggregate classification (germline): Uncertain significance (1 of 4 stars; one submission).

gnomAD v4.1: 521 of 1,605,480 alleles (0.032%); highest among the groups gnomAD compares: Non-Finnish European, 0.043%; no homozygotes.

Submission:

Mayo Clinic Laboratories, Mayo Clinic
Classification: Uncertain significance. Last evaluated: 2025-02-11. Review status: criteria provided, single submitter. Criteria: ACMG Guidelines, 2015. Collection method: clinical testing. Allele origin: germline. Observed: 2 variant alleles.
Comment: BP4

NM_020821.3(VPS13C):c.1043T>C (p.Val348Ala)

Gene: VPS13C (vacuolar protein sorting 13 homolog C; minus strand). Cytogenetic location: 15q22.2.
Variant type: single nucleotide variant.
Coding change: c.1043T>C on transcript NM_020821.3 (MANE Select); coding-DNA position 1043, T replaced by C.
Protein change: p.Val348Ala; replaces valine 348 with alanine.
Molecular consequence: missense variant.
Genome position (GRCh38, 1-based): chr15:62,008,730, A>G on the plus strand (T>C on the coding strand, the complement: VPS13C is on the minus strand). VCF-style: chr15-62008730-A-G. GRCh37 (hg19) VCF-style: chr15-62300929-A-G.
Other names: p.Val348Ala; c.1043T>C, p.Val348Ala (NM_001018088.3); c.914T>C, p.Val305Ala (NM_017684.5, NM_018080.4); short protein forms V305A, V348A.
Identifiers: ClinVar variation 3380299 (VCV003380299.2).